The following is an entry in ClinVar:

NM_033026.6(PCLO):c.3300+7_3300+8insTTTATATATATATATATA

Gene: PCLO (piccolo presynaptic cytomatrix protein; minus strand). Cytogenetic location: 7q21.11.
Variant type: Microsatellite.
Coding change: c.3300+7_3300+8insTTTATATATATATATATA on transcript NM_033026.6 (MANE Select); bases 7 to 8 of the intron after coding-DNA position 3300, TTTATATATATATATATA inserted.
Molecular consequence: intron variant.
Genome position: GRCh38 VCF-style: chr7-83134242-T-TATATATATATATATATAA. GRCh37 (hg19) VCF-style: chr7-82763558-T-TATATATATATATATATAA.
Other names: c.3300+7_3300+8insTTTATATATATATATATA (NM_014510.3).
Identifiers: ClinVar variation 1610852 (VCV001610852.30), dbSNP rs746054139.

ClinVar aggregate classification (germline): Likely benign. Review status: criteria provided, multiple submitters, no conflicts (2 of 4 stars). 2 submissions from 2 submitters: Likely benign (2). Last evaluated 2026-07-01.

Submissions (2):

CeGaT Center for Human Genetics Tuebingen
Classification: Likely benign. Last evaluated: 2026-07-01. Review status: criteria provided, single submitter. Criteria: CeGaT Center For Human Genetics Tuebingen Variant Classification Criteria Version 2. Collection method: clinical testing. Allele origin: germline. Affected: yes. Observed: 2 variant alleles.
Comment: PCLO: BP4, BS2

Labcorp Genetics (formerly Invitae), Labcorp
Classification: Likely benign. Last evaluated: 2026-01-19. Review status: criteria provided, single submitter. Criteria: Invitae Variant Classification Sherloc (09022015). Collection method: clinical testing. Allele origin: germline.